The following is an entry in ClinVar:

NM_001059.3(TACR3):c.594A>T (p.Thr198=)

Gene: TACR3 (tachykinin receptor 3; minus strand). Cytogenetic location: 4q24.
Variant type: single nucleotide variant.
Coding change: c.594A>T on transcript NM_001059.3 (MANE Select); coding-DNA position 594, A replaced by T.
Protein change: p.Thr198=; no amino-acid change (threonine 198 retained).
Molecular consequence: synonymous variant.
Genome position (GRCh38, 1-based): chr4:103,658,358, T>A on the plus strand (A>T on the coding strand, the complement: TACR3 is on the minus strand). VCF-style: chr4-103658358-T-A. GRCh37 (hg19) VCF-style: chr4-104579515-T-A.
Identifiers: ClinVar variation 3239359 (VCV003239359.19), dbSNP rs2476289080.

ClinVar aggregate classification (germline): Likely benign (1 of 4 stars; one submission).

Allele frequency attached by ClinVar (database versions not stated): gnomAD exomes below 0.00001.
gnomAD v4.1: 1 of 1,613,936 alleles (0.000062%); highest among the groups gnomAD compares: Non-Finnish European, 0.000085%; no homozygotes.

Submission:

CeGaT Center for Human Genetics Tuebingen
Classification: Likely benign. Last evaluated: 2024-05-01. Review status: criteria provided, single submitter. Criteria: CeGaT Center For Human Genetics Tuebingen Variant Classification Criteria Version 2. Collection method: clinical testing. Allele origin: germline. Affected: yes. Observed: 1 variant allele.
Comment: TACR3: PM2:Supporting, BP4, BP7